The following is an entry in ClinVar:

NM_015166.4(MLC1):c.667G>A (p.Val223Ile)

Gene: MLC1 (modulator of VRAC current 1; minus strand). Cytogenetic location: 22q13.33.
Variant type: single nucleotide variant.
Coding change: c.667G>A on transcript NM_015166.4 (MANE Select); coding-DNA position 667, G replaced by A.
Protein change: p.Val223Ile; replaces valine 223 with isoleucine.
Molecular consequence: missense variant. On other transcripts: non-coding transcript variant (3).
Genome position (GRCh38, 1-based): chr22:50,074,263, C>T on the plus strand (G>A on the coding strand, the complement: MLC1 is on the minus strand). VCF-style: chr22-50074263-C-T. GRCh37 (hg19) VCF-style: chr22-50512692-C-T.
Other names: c.667G>A, p.Val223Ile (NM_001376472.1, NM_001376473.1, NM_001376474.1 and 6 more transcripts); c.577G>A, p.Val193Ile (NM_001376480.1); c.565G>A, p.Val189Ile (NM_001376481.1); c.511G>A, p.Val171Ile (NM_001376482.1, NM_001376483.1); c.430G>A, p.Val144Ile (NM_001376484.1); short protein forms V144I, V223I, V171I, V193I, V189I.
Identifiers: ClinVar variation 2132084 (VCV002132084.1), dbSNP rs774858564, ClinGen allele CA10303423.

ClinVar aggregate classification (germline): Uncertain significance (1 of 4 stars; one submission).

Allele frequency attached by ClinVar (database versions not stated): ExAC 0.00001; gnomAD exomes 0.00001; TOPMed 0.00001.
gnomAD v4.1: 4 of 1,614,088 alleles (0.00025%); highest among the groups gnomAD compares: African/African-American, 0.0027%; no homozygotes.

Submission:

Labcorp Genetics (formerly Invitae), Labcorp
Classification: Uncertain significance. Last evaluated: 2022-04-30. Review status: criteria provided, single submitter. Criteria: Invitae Variant Classification Sherloc (09022015). Collection method: clinical testing. Allele origin: germline.
Comment: This sequence change replaces valine, which is neutral and non-polar, with isoleucine, which is neutral and non-polar, at codon 223 of the MLC1 protein (p.Val223Ile). This variant is present in population databases (rs774858564, gnomAD 0.01%). This variant has not been reported in the literature in individuals affected with MLC1-related conditions. Algorithms developed to predict the effect of missense changes on protein structure and function output the following: SIFT: "Tolerated"; PolyPhen-2: "Probably Damaging"; Align-GVGD: "Class C0". The isoleucine amino acid residue is found in multiple mammalian species, which suggests that this missense change does not adversely affect protein function. In summary, the available evidence is currently insufficient to determine the role of this variant in disease. Therefore, it has been classified as a Variant of Uncertain Significance.